The following is an entry in ClinVar:

ClinVar aggregate classification (germline): Likely benign. Review status: criteria provided, multiple submitters, no conflicts (2 of 4 stars). 2 submissions from 2 submitters: Likely benign (2). Last evaluated 2026-05-13.

Conditions:
Neurofibromatosis, type 1 (NF1). Also called: VON RECKLINGHAUSEN DISEASE; Neurofibromatosis, type I; NEUROFIBROMATOSIS, TYPE I, SOMATIC; Peripheral type neurofibromatosis. Identifiers: Orphanet 636, MedGen C0027831, MONDO:0018975, OMIM 162200. Disease mechanism: loss of function.

Submissions (2):

Myriad Genetics, Inc.
Classification: Likely benign for Neurofibromatosis, type 1. Last evaluated: 2026-05-13. Review status: criteria provided, single submitter. Criteria: Myriad Autosomal Dominant, Autosomal Recessive and X-Linked Classification Criteria (2023). Collection method: clinical testing. Allele origin: unknown.
Comment: This variant is considered likely benign. This variant is intronic and is not expected to impact mRNA splicing.

Labcorp Genetics (formerly Invitae), Labcorp
Classification: Likely benign for Neurofibromatosis, type 1. Last evaluated: 2025-05-05. Review status: criteria provided, single submitter. Criteria: Invitae Variant Classification Sherloc (09022015). Collection method: clinical testing. Allele origin: germline.

NM_001042492.3(NF1):c.4725-19T>C

Gene: NF1 (neurofibromin 1; plus strand). Cytogenetic location: 17q11.2.
Variant type: single nucleotide variant.
Coding change: c.4725-19T>C on transcript NM_001042492.3 (MANE Select); 19 bases into the intron before coding-DNA position 4725, T replaced by C.
Molecular consequence: intron variant.
Genome position (GRCh38, 1-based): chr17:31,265,210, T>C. VCF-style: chr17-31265210-T-C. GRCh37 (hg19) VCF-style: chr17-29592228-T-C.
Other names: c.4662-19T>C (NM_000267.4).
Identifiers: ClinVar variation 2743935 (VCV002743935.4), dbSNP rs1567864925, ClinGen allele CA2255578928.